The following is an entry in ClinVar:

NM_006393.3(NEBL):c.716T>C (p.Met239Thr)

Gene: NEBL (nebulette; minus strand). Cytogenetic location: 10p12.31.
Variant type: single nucleotide variant.
Coding change: c.716T>C on transcript NM_006393.3 (MANE Select); coding-DNA position 716, T replaced by C.
Protein change: p.Met239Thr; replaces methionine 239 with threonine.
Molecular consequence: missense variant. On other transcripts: intron variant (9).
Genome position (GRCh38, 1-based): chr10:20,859,795, A>G on the plus strand (T>C on the coding strand, the complement: NEBL is on the minus strand). VCF-style: chr10-20859795-A-G. GRCh37 (hg19) VCF-style: chr10-21148724-A-G.
Other names: c.250-46855T>C (NM_001377326.1, NM_001377327.1, NM_001377328.1); c.358-46855T>C (NM_213569.2, NM_001173484.2, NM_001377322.1); c.301-46855T>C (NM_001377324.1); c.292-46855T>C (NM_001377325.1); c.310-46855T>C (NM_001377323.1); short protein forms M239T.
Identifiers: ClinVar variation 3609689 (VCV003609689.2).
Genomic context (GRCh38, chr10:20,859,795, plus strand): 5'-AGCTGATTCTGCCTAAAAGAAGCACTTTCAAGAGGATTGTAATGATGTTTCTTATCCTTC[A>G]TTTCATTATCAAATTTTTCTTTGTATTTAATCTGTCATAAAAGAGAAATAGTACATGTAA-3'
Protein context (NP_006384.1, residues 229-249): IKYKEKFDNE[Met239Thr]KDKKHHYNPL

ClinVar aggregate classification (germline): Uncertain significance (1 of 4 stars; one submission).

Conditions:
Primary dilated cardiomyopathy (DCM). Also called: Dilated Cardiomyopathy. Identifiers: Orphanet 217604, MedGen C0007193, MeSH D002311, MONDO:0005021, HP:0001644. Inheritance: Various modes of inheritance.

Submission:

Labcorp Genetics (formerly Invitae), Labcorp
Classification: Uncertain significance for Primary dilated cardiomyopathy. Last evaluated: 2024-04-15. Review status: criteria provided, single submitter. Criteria: Invitae Variant Classification Sherloc (09022015). Collection method: clinical testing. Allele origin: germline.
Comment: This sequence change replaces methionine, which is neutral and non-polar, with threonine, which is neutral and polar, at codon 239 of the NEBL protein (p.Met239Thr). This variant is not present in population databases (gnomAD no frequency). This variant has not been reported in the literature in individuals affected with NEBL-related conditions. An algorithm developed to predict the effect of missense changes on protein structure and function (PolyPhen-2) suggests that this variant is likely to be disruptive. In summary, the available evidence is currently insufficient to determine the role of this variant in disease. Therefore, it has been classified as a Variant of Uncertain Significance.